The following is an entry in ClinVar:

NM_080911.3(UNG):c.262C>T (p.Arg88Cys)

Gene: UNG (uracil DNA glycosylase; plus strand). Cytogenetic location: 12q24.11.
Variant type: single nucleotide variant.
Coding change: c.262C>T on transcript NM_080911.3 (MANE Select); coding-DNA position 262, C replaced by T.
Protein change: p.Arg88Cys; replaces arginine 88 with cysteine.
Molecular consequence: missense variant.
Genome position (GRCh38, 1-based): chr12:109,098,561, C>T. VCF-style: chr12-109098561-C-T. GRCh37 (hg19) VCF-style: chr12-109536366-C-T.
Other names: c.235C>T, p.Arg79Cys (NM_003362.4); short protein forms R88C, R79C.
Identifiers: ClinVar variation 440391 (VCV000440391.75), dbSNP rs151095402, ClinGen allele CA6772541.
Genomic context (GRCh38, chr12:109,098,561, plus strand): 5'-GCCGAGCAGTTGGACCGGATCCAGAGGAACAAGGCCGCGGCCCTGCTCAGACTCGCGGCC[C>T]GCAACGTGCCCGTGGGCTTTGGAGAGAGCTGGAAGAAGCACCTCAGCGGGGAGTTCGGGA-3'
Protein context (NP_550433.1, residues 78-98): KAAALLRLAA[Arg88Cys]NVPVGFGESW

ClinVar aggregate classification (germline): Conflicting classifications of pathogenicity. Review status: criteria provided, conflicting classifications (1 of 4 stars). 11 submissions from 11 submitters: Uncertain significance (7); Likely benign (1). 3 of the submissions do not count toward it. Last evaluated 2025-10-24.

Conditions:
Hyper-IgM syndrome type 5 (HIGM5). Also called: Hyper-IgM Immunodeficiency Syndrome, Type 5. Identifiers: Orphanet 101092, MedGen C1720958, MONDO:0011971, OMIM 608106.

Allele frequency attached by ClinVar (database versions not stated): gnomAD exomes 0.00129 and 0.00119; 1000 Genomes Project 0.00140; 1000 Genomes Project 30x 0.00156; gnomAD 0.00090 and 0.00096; ExAC 0.00113; TOPMed 0.00115; ESP Exome Variant Server 0.00116.

Submissions (11):

GeneDx
Classification: Uncertain significance. Last evaluated: 2025-10-24. Review status: criteria provided, single submitter. Criteria: GeneDx Variant Classification Process June 2021. Collection method: clinical testing. Allele origin: germline. Affected: yes.
Comment: Published functional studies suggest that although R88C does not impact UNG protein expression, this variant disrupts interaction, binding, and colocalization with RPA2 (PMID: 22521144, 24910198); In silico analysis supports that this missense variant has a deleterious effect on protein structure/function; This variant is associated with the following publications: (PMID: 17029639, 36835215, 29546359, 23742752, 26935981, Conti2024[Preprint], 38746347, 39268404, 24910198, 22521144)

ARUP Laboratories, Molecular Genetics and Genomics, ARUP Laboratories
Classification: Uncertain significance for Hyper-IgM syndrome type 5. Last evaluated: 2025-04-23. Review status: criteria provided, single submitter. Criteria: ARUP Molecular Germline Variant Investigation Process 2024. Collection method: clinical testing. Allele origin: germline.
Comment: The UNG c.262C>T; p.Arg88Cys variant (rs151095402, ClinVar Variation ID 440391), is reported in the literature in one homozygous individual affected with mevalonic aciduria who also harbored a homozygous variant in MVK (Marcuzzi 2016). In addition, this variant is reported in a heterozygous individual with familial colorectal cancer (Broderick 2006). This variant is found in the non-Finnish European population with an allele frequency of 0.157% (195/123860 alleles) in the Genome Aggregation Database (v2.1.1). Computational analyses are uncertain whether this variant is neutral or deleterious (REVEL: 0.545). In vitro functional analyses using lymphoblast cells demonstrate no impact of the variant on enzyme activity or localization in replication foci, but was shown to impair binding of UNG2 to RPA2 (Torseth 2012). Due to limited information, the clinical significance of this variant is uncertain at this time. References: Broderick P et al. Evaluation of NTHL1, NEIL1, NEIL2, MPG, TDG, UNG and SMUG1 genes in familial colorectal cancer predisposition. BMC Cancer. 2006 Oct 9;6:243. PMID: 17029639. Marcuzzi A et al. Putative modifier genes in mevalonate kinase deficiency. Mol Med Rep. 2016 Apr;13(4):3181-9. PMID: 26935981. Torseth K et al. The UNG2 Arg88Cys variant abrogates RPA-mediated recruitment of UNG2 to single-stranded DNA. DNA Repair (Amst). 2012 Jun 1;11(6):559-69. PMID: 22521144.

Labcorp Genetics (formerly Invitae), Labcorp
Classification: Uncertain significance for Hyper-IgM syndrome type 5. Last evaluated: 2025-02-03. Review status: criteria provided, single submitter. Criteria: Invitae Variant Classification Sherloc (09022015). Collection method: clinical testing. Allele origin: germline.
Comment: This sequence change replaces arginine, which is basic and polar, with cysteine, which is neutral and slightly polar, at codon 88 of the UNG protein (p.Arg88Cys). This variant is present in population databases (rs151095402, gnomAD 0.2%), and has an allele count higher than expected for a pathogenic variant. This missense change has been observed in individual(s) with colorectal cancer (PMID: 29546359). ClinVar contains an entry for this variant (Variation ID: 440391). An algorithm developed to predict the effect of missense changes on protein structure and function (PolyPhen-2) suggests that this variant is likely to be disruptive. Experimental studies are conflicting or provide insufficient evidence to determine the effect of this variant on UNG function (PMID: 22521144). In summary, the available evidence is currently insufficient to determine the role of this variant in disease. Therefore, it has been classified as a Variant of Uncertain Significance.

Blueprint Genetics
Classification: Uncertain significance. Last evaluated: 2024-11-27. Review status: criteria provided, single submitter. Criteria: ACMG Guidelines, 2015. Collection method: clinical testing. Allele origin: germline.

Dubai Health Genomic Medicine Center, Dubai Health
Classification: Uncertain significance for Hyper-IgM syndrome type 5. Last evaluated: 2020-01-06. Review status: criteria provided, single submitter. Criteria: ACMG Guidelines, 2015. Collection method: clinical testing. Allele origin: germline. Affected: yes.

Revvity Omics, Revvity
Classification: Uncertain significance for Hyper-IgM syndrome type 5. Last evaluated: 2019-10-16. Review status: criteria provided, single submitter. Criteria: ACMG Guidelines, 2015. Collection method: clinical testing. Allele origin: germline.

Illumina Laboratory Services, Illumina
Classification: Likely benign for Hyper-IgM syndrome type 5. Last evaluated: 2017-04-27. Review status: criteria provided, single submitter. Criteria: ICSL Variant Classification Criteria 13 December 2019. Collection method: clinical testing. Allele origin: germline.
Comment: This variant was observed as part of a predisposition screen in an ostensibly healthy population. A literature search was performed for the gene, cDNA change, and amino acid change (where applicable). Publications were found based on this search. The evidence from the literature, in combination with allele frequency data from public databases where available, was sufficient to determine this variant is unlikely to cause disease. Therefore, this variant is classified as likely benign.

CeGaT Center for Human Genetics Tuebingen
Classification: Uncertain significance. Last evaluated: 2016-06-01. Review status: criteria provided, single submitter. Criteria: CeGaT Center For Human Genetics Tuebingen Variant Classification Criteria Version 2. Collection method: clinical testing. Allele origin: germline. Affected: yes. Observed: 1 variant allele.

Clinical Genetics DNA and cytogenetics Diagnostics Lab, Erasmus MC, Erasmus Medical Center
Classification: Uncertain significance. Review status: no assertion criteria provided. Collection method: clinical testing. Allele origin: germline. Affected: yes. Study: VKGL Data-share Consensus. Not counted in ClinVar's aggregate classification.

Diagnostic Laboratory, Department of Genetics, University Medical Center Groningen
Classification: Uncertain significance. Review status: no assertion criteria provided. Collection method: clinical testing. Allele origin: germline. Affected: yes. Study: VKGL Data-share Consensus. Not counted in ClinVar's aggregate classification.

Laboratory of Diagnostic Genome Analysis, Leiden University Medical Center (LUMC)
Classification: Uncertain significance. Review status: no assertion criteria provided. Collection method: clinical testing. Allele origin: germline. Affected: yes. Study: VKGL Data-share Consensus. Not counted in ClinVar's aggregate classification.

Literature cited by the submitters: PubMed 29546359 (cited by Labcorp Genetics (formerly Invitae), Labcorp); PubMed 22521144 (cited by Labcorp Genetics (formerly Invitae), Labcorp and Illumina Laboratory Services, Illumina); PubMed 21167187 (cited by Illumina Laboratory Services, Illumina); PubMed 22252118 (cited by Illumina Laboratory Services, Illumina); PubMed 23545420 (cited by Illumina Laboratory Services, Illumina); PubMed 17029639 (cited by Illumina Laboratory Services, Illumina).